The following is an entry in ClinVar:

NM_014165.4(NDUFAF4):c.1A>G (p.Met1Val)

Genes: NDUFAF4 (NADH:ubiquinone oxidoreductase complex assembly factor 4; minus strand), LOC129996857 (ATAC-STARR-seq lymphoblastoid active region 24846; plus strand). Cytogenetic location: 6q16.1.
Variant type: single nucleotide variant.
Coding change: c.1A>G on transcript NM_014165.4 (MANE Select); coding-DNA position 1, A replaced by G.
Protein change: p.Met1Val; changes the start codon (methionine 1).
Molecular consequence: missense variant, initiator codon variant.
Genome position (GRCh38, 1-based): chr6:96,897,801, T>C on the plus strand (A>G on the coding strand, the complement: NDUFAF4 is on the minus strand). VCF-style: chr6-96897801-T-C. GRCh37 (hg19) VCF-style: chr6-97345677-T-C.
Other names: short protein forms M1V.
Identifiers: ClinVar variation 432693 (VCV000432693.4), dbSNP rs558262843, ClinGen allele CA3931512.

ClinVar aggregate classification (germline): Uncertain significance. Review status: criteria provided, multiple submitters, no conflicts (2 of 4 stars). 2 submissions from 2 submitters: Uncertain significance (2). Last evaluated 2022-08-22.

Conditions:
Mitochondrial complex I deficiency, nuclear type 1. Also called: NADH-COENZYME Q REDUCTASE DEFICIENCY; MITOCHONDRIAL NADH DEHYDROGENASE COMPONENT OF COMPLEX I, DEFICIENCY OF. Identifiers: MedGen C6022305, MONDO:0100224, OMIM 252010.

Allele frequency attached by ClinVar (database versions not stated): gnomAD 0.00017 and 0.00016; ExAC 0.00004; gnomAD exomes 0.00003; TOPMed 0.00013; 1000 Genomes Project 0.00060; 1000 Genomes Project 30x 0.00078.

Submissions (2):

Daryl Scott Lab, Baylor College of Medicine
Classification: Uncertain significance for Mitochondrial complex I deficiency, nuclear type 1. Last evaluated: 2022-08-22. Review status: criteria provided, single submitter. Criteria: ACMG Guidelines, 2015. Collection method: clinical testing. Allele origin: maternal. Observed: 1 variant allele, 1 heterozygote.

GeneDx
Classification: Uncertain significance. Last evaluated: 2017-06-13. Review status: criteria provided, single submitter. Criteria: GeneDx Variant Classification (06012015). Collection method: clinical testing. Allele origin: germline. Affected: yes.
Comment: The c.1 A>G variant in the NDUFAF4 gene has not been reported previously as a pathogenic variant, nor as a benign variant, to our knowledge. As this variant changes the translation initiator Methionine codon, the resultant protein is described as p.Met1?, using a question mark to signify that it is not known if the loss of Met1 means that all protein translation is completely prevented or if an abnormal protein is produced using an alternate Methionine. The c.1 A>G variant is observed in 5/10,406 (0.05%) alleles from individuals of African background in the ExAC dataset (Lek et al., 2016). We interpret c.1 A>G as a variant of uncertain significance.

Literature cited by the submitters: PubMed 36135330 (cited by Daryl Scott Lab, Baylor College of Medicine).